The following is an entry in ClinVar:

NM_001283009.2(RTEL1):c.3703_3705delinsAAA (p.Gly1235Lys)

Genes: RTEL1 (regulator of telomere elongation helicase 1; plus strand), RTEL1-TNFRSF6B (RTEL1-TNFRSF6B readthrough (NMD candidate); plus strand). Cytogenetic location: 20q13.33.
Variant type: Indel.
Coding change: c.3703_3705delinsAAA on transcript NM_001283009.2 (MANE Select); coding-DNA positions 3703 to 3705, GGC replaced by AAA.
Protein change: p.Gly1235Lys; replaces glycine 1235 with lysine.
Molecular consequence: missense variant. On other transcripts: non-coding transcript variant (1), intron variant (3).
Genome position (GRCh38, 1-based): chr20:63,695,531-63,695,533, GGC replaced by AAA. VCF-style: chr20-63695531-GGC-AAA. GRCh37 (hg19) VCF-style: chr20-62326884-GGC-AAA.
Other names: c.2983+51_2983+53delinsAAA (NM_001283010.1); c.3724+51_3724+53delinsAAA (NM_032957.5); c.3652+51_3652+53delinsAAA (NM_016434.4); short protein forms G1235K.
Identifiers: ClinVar variation 4790646 (VCV004790646.1).

ClinVar aggregate classification (germline): Uncertain significance (1 of 4 stars; one submission).

Conditions:
Dyskeratosis congenita, autosomal recessive 5 (DKCB5). Identifiers: MedGen C3554656, MONDO:0014076, OMIM 615190.
Pulmonary fibrosis and/or bone marrow failure, Telomere-related, 3. Also called: PULMONARY FIBROSIS AND/OR BONE MARROW FAILURE SYNDROME, TELOMERE-RELATED, 3. Identifiers: Orphanet 2032, MedGen C4225346, MONDO:0014613, OMIM 616373.

Submission:

Labcorp Genetics (formerly Invitae), Labcorp
Classification: Uncertain significance for Dyskeratosis congenita, autosomal recessive 5; Pulmonary fibrosis and/or bone marrow failure, Telomere-related, 3. Last evaluated: 2026-01-07. Review status: criteria provided, single submitter. Criteria: Invitae Variant Classification Sherloc (09022015). Collection method: clinical testing. Allele origin: germline.
Comment: This sequence change replaces glycine, which is neutral and non-polar, with lysine, which is basic and polar, at codon 1235 of the RTEL1 protein (p.Gly1235Lys). Information on the frequency of this variant in the gnomAD database is not available, as this variant may be reported differently in the database. This variant has not been reported in the literature in individuals affected with RTEL1-related conditions. An algorithm developed to predict the effect of missense changes on protein structure and function (PolyPhen-2) suggests that this variant is likely to be tolerated. In summary, the available evidence is currently insufficient to determine the role of this variant in disease. Therefore, it has been classified as a Variant of Uncertain Significance.